The following is an entry in ClinVar:

ClinVar aggregate classification (germline): Uncertain significance (1 of 4 stars; one submission).

Conditions:
Fanconi anemia (FA). Also called: Fanconi's anemia. Identifiers: Orphanet 84, MedGen C0015625, MeSH D005199, MONDO:0019391.

Submission:

Labcorp Genetics (formerly Invitae), Labcorp
Classification: Uncertain significance for Fanconi anemia. Last evaluated: 2024-12-30. Review status: criteria provided, single submitter. Criteria: Invitae Variant Classification Sherloc (09022015). Collection method: clinical testing. Allele origin: germline.
Comment: This sequence change replaces asparagine, which is neutral and polar, with aspartic acid, which is acidic and polar, at codon 149 of the FANCF protein (p.Asn149Asp). This variant is not present in population databases (gnomAD no frequency). This variant has not been reported in the literature in individuals affected with FANCF-related conditions. ClinVar contains an entry for this variant (Variation ID: 2158805). Invitae Evidence Modeling of protein sequence and biophysical properties (such as structural, functional, and spatial information, amino acid conservation, physicochemical variation, residue mobility, and thermodynamic stability) indicates that this missense variant is not expected to disrupt FANCF protein function with a negative predictive value of 80%. In summary, the available evidence is currently insufficient to determine the role of this variant in disease. Therefore, it has been classified as a Variant of Uncertain Significance.

NM_022725.4(FANCF):c.445A>G (p.Asn149Asp)

Gene: FANCF (FA complementation group F; minus strand). Cytogenetic location: 11p14.3.
Variant type: single nucleotide variant.
Coding change: c.445A>G on transcript NM_022725.4 (MANE Select); coding-DNA position 445, A replaced by G.
Protein change: p.Asn149Asp; replaces asparagine 149 with aspartic acid.
Molecular consequence: missense variant.
Genome position (GRCh38, 1-based): chr11:22,625,366, T>C on the plus strand (A>G on the coding strand, the complement: FANCF is on the minus strand). VCF-style: chr11-22625366-T-C. GRCh37 (hg19) VCF-style: chr11-22646912-T-C.
Other names: short protein forms N149D.
Identifiers: ClinVar variation 2158805 (VCV002158805.4), dbSNP rs2494867163, ClinGen allele CA380059038.